The following is an entry in ClinVar:

ClinVar aggregate classification (germline): Uncertain significance. Review status: criteria provided, multiple submitters, no conflicts (2 of 4 stars). 2 submissions from 2 submitters: Uncertain significance (2). Last evaluated 2024-01-01.

Conditions:
Intellectual developmental disorder, autosomal dominant 3. Also called: Intellectual disability, autosomal dominant 3. Identifiers: MedGen C2675488, MONDO:0012946, OMIM 612580.

Allele frequency attached by ClinVar (database versions not stated): ExAC 0.00032; gnomAD exomes 0.00019 and 0.00043; gnomAD 0.00005; TOPMed 0.00019.

Submissions (2):

Daryl Scott Lab, Baylor College of Medicine
Classification: Uncertain significance for Intellectual developmental disorder, autosomal dominant 3. Last evaluated: 2024-01-01. Review status: criteria provided, single submitter. Criteria: ACMG Guidelines, 2015. Collection method: clinical testing. Allele origin: paternal. Observed: 1 heterozygote.
Comment: PP3

Mendelics
Classification: Uncertain significance. Last evaluated: 2022-05-04. Review status: criteria provided, single submitter. Criteria: Mendelics Assertion Criteria 2019. Collection method: clinical testing. Allele origin: germline.

NM_004933.3(CDH15):c.100del (p.Trp34fs)

Gene: CDH15 (cadherin 15; plus strand). Cytogenetic location: 16q24.3.
Variant type: Deletion.
Coding change: c.100del on transcript NM_004933.3 (MANE Select); coding-DNA position 100, one base deleted (T; older notation c.100delT).
Protein change: p.Trp34fs; shifts the reading frame from tryptophan 34.
Molecular consequence: frameshift variant.
Genome position (GRCh38, 1-based): chr16:89,179,473, T deleted. VCF-style (leftmost placement, unchanged base first): chr16-89179472-CT-C. GRCh37 (hg19) VCF-style: chr16-89245880-CT-C.
Other names: short protein forms W34fs.
Identifiers: ClinVar variation 1686550 (VCV001686550.2), dbSNP rs770141326, ClinGen allele CA8238675.
Genomic context (GRCh38, chr16:89,179,472, plus strand): 5'-GCAGAGCCTCTGCCTGTCTTTGGGGGTTCCTGGATGGAGGAGGCCCACCACCCTGTACCC[CT>C]GGCGCCGGGCGCCTGCCCTGAGCCGCGTGCGGAGGGCCTGGGTCATCCCCCCGATCAGCG-3'